The following is an entry in ClinVar:

NM_015073.3(SIPA1L3):c.5042C>T (p.Pro1681Leu)

Gene: SIPA1L3 (signal induced proliferation associated 1 like 3; plus strand). Cytogenetic location: 19q13.2.
Variant type: single nucleotide variant.
Coding change: c.5042C>T on transcript NM_015073.3 (MANE Select); coding-DNA position 5042, C replaced by T.
Protein change: p.Pro1681Leu; replaces proline 1681 with leucine.
Molecular consequence: missense variant.
Genome position (GRCh38, 1-based): chr19:38,201,919, C>T. VCF-style: chr19-38201919-C-T. GRCh37 (hg19) VCF-style: chr19-38692559-C-T.
Other names: short protein forms P1681L.
Identifiers: ClinVar variation 3442100 (VCV003442100.2).

ClinVar aggregate classification (germline): Uncertain significance. Review status: criteria provided, multiple submitters, no conflicts (2 of 4 stars). 2 submissions from 2 submitters: Uncertain significance (2). Last evaluated 2025-05-30.

gnomAD v4.1: 30 of 1,613,920 alleles (0.0019%); highest among the groups gnomAD compares: Middle Eastern, 0.049%; no homozygotes.

Submissions (2):

Labcorp Genetics (formerly Invitae), Labcorp
Classification: Uncertain significance. Last evaluated: 2025-05-30. Review status: criteria provided, single submitter. Criteria: Invitae Variant Classification Sherloc (09022015). Collection method: clinical testing. Allele origin: germline.
Comment: This sequence change replaces proline, which is neutral and non-polar, with leucine, which is neutral and non-polar, at codon 1681 of the SIPA1L3 protein (p.Pro1681Leu). This variant is present in population databases (rs749294817, gnomAD 0.002%). This variant has not been reported in the literature in individuals affected with SIPA1L3-related conditions. ClinVar contains an entry for this variant (Variation ID: 3442100). An algorithm developed to predict the effect of missense changes on protein structure and function (PolyPhen-2) suggests that this variant is likely to be tolerated. In summary, the available evidence is currently insufficient to determine the role of this variant in disease. Therefore, it has been classified as a Variant of Uncertain Significance.

Ambry Genetics
Classification: Uncertain significance. Last evaluated: 2024-08-20. Review status: criteria provided, single submitter. Criteria: Ambry Variant Classification Scheme 2023. Collection method: clinical testing. Allele origin: germline.